The following is an entry in ClinVar:

NM_001330260.2(SCN8A):c.2901+5G>T

Gene: SCN8A (sodium voltage-gated channel alpha subunit 8; plus strand). Cytogenetic location: 12q13.13.
Variant type: single nucleotide variant.
Coding change: c.2901+5G>T on transcript NM_001330260.2 (MANE Select); 5 bases into the intron after coding-DNA position 2901, G replaced by T.
Molecular consequence: intron variant.
Genome position (GRCh38, 1-based): chr12:51,766,032, G>T. VCF-style: chr12-51766032-G-T. GRCh37 (hg19) VCF-style: chr12-52159816-G-T.
Other names: c.2901+5G>T (NM_014191.4, NM_001177984.3, NM_001369788.1).
Identifiers: ClinVar variation 1346989 (VCV001346989.7), dbSNP rs2138863160, ClinGen allele CA2573148770.

ClinVar aggregate classification (germline): Uncertain significance (1 of 4 stars; one submission).

Conditions:
Early-infantile DEE. Also called: Early infantile epileptic encephalopathy; Early infantile epileptic encephalopathy with suppression bursts; Ohtahara syndrome. Identifiers: Orphanet 1934, MedGen C0393706, MONDO:0800491.

Submission:

Labcorp Genetics (formerly Invitae), Labcorp
Classification: Uncertain significance for Early-infantile DEE. Last evaluated: 2022-03-03. Review status: criteria provided, single submitter. Criteria: Invitae Variant Classification Sherloc (09022015). Collection method: clinical testing. Allele origin: germline.
Comment: In summary, the available evidence is currently insufficient to determine the role of this variant in disease. Therefore, it has been classified as a Variant of Uncertain Significance. Variants that disrupt the consensus splice site are a relatively common cause of aberrant splicing (PMID: 17576681, 9536098). Algorithms developed to predict the effect of sequence changes on RNA splicing suggest that this variant may disrupt the consensus splice site. This variant has not been reported in the literature in individuals affected with SCN8A-related conditions. This variant is not present in population databases (gnomAD no frequency). This sequence change falls in intron 16 of the SCN8A gene. It does not directly change the encoded amino acid sequence of the SCN8A protein. It affects a nucleotide within the consensus splice site.

Literature cited by the submitters: PubMed 17576681; PubMed 9536098.